The following is an entry in ClinVar:

NM_002397.5(MEF2C):c.1333T>C (p.Ser445Pro)

Genes: MEF2C (myocyte enhancer factor 2C; minus strand), MEF2C-AS2 (MEF2C antisense RNA 2; plus strand). Cytogenetic location: 5q14.3.
Variant type: single nucleotide variant.
Coding change: c.1333T>C on transcript NM_002397.5 (MANE Select); coding-DNA position 1333, T replaced by C.
Protein change: p.Ser445Pro; replaces serine 445 with proline.
Molecular consequence: missense variant. On other transcripts: non-coding transcript variant (1), 3 prime UTR variant (9).
Genome position (GRCh38, 1-based): chr5:88,722,693, A>G on the plus strand (T>C on the coding strand, the complement: MEF2C is on the minus strand). VCF-style: chr5-88722693-A-G. GRCh37 (hg19) VCF-style: chr5-88018510-A-G.
Other names: c.1303T>C, p.Ser435Pro (NM_001131005.2); c.1363T>C, p.Ser455Pro (NM_001193347.1); c.1165T>C, p.Ser389Pro (NM_001193348.1); c.1093T>C, p.Ser365Pro (NM_001193349.3, NM_001364332.2); c.1333T>C, p.Ser445Pro (NM_001193350.2, NM_001364329.2, NM_001364330.2 and 1 more transcripts); c.1309T>C, p.Ser437Pro (NM_001308002.3, NM_001364333.2); c.1237T>C, p.Ser413Pro (NM_001363581.2, NM_001364334.2, NM_001364335.2 and 2 more transcripts); c.1267T>C, p.Ser423Pro (NM_001364338.2); and 7 more; short protein forms S319P, S389P, S413P, S423P, S287P, S403P, S455P, S263P.
Identifiers: ClinVar variation 4779975 (VCV004779975.1).

ClinVar aggregate classification (germline): Uncertain significance (1 of 4 stars; one submission).

Conditions:
Neurodevelopmental disorder with hypotonia, stereotypic hand movements, and impaired language. Also called: Intellectual disability, autosomal dominant 20. Identifiers: Orphanet 228384, Orphanet 664410, MedGen C3150700, MONDO:0013266, OMIM 613443.

Submission:

Labcorp Genetics (formerly Invitae), Labcorp
Classification: Uncertain significance for Neurodevelopmental disorder with hypotonia, stereotypic hand movements, and impaired language. Last evaluated: 2025-07-31. Review status: criteria provided, single submitter. Criteria: Invitae Variant Classification Sherloc (09022015). Collection method: clinical testing. Allele origin: germline.
Comment: This sequence change replaces serine, which is neutral and polar, with proline, which is neutral and non-polar, at codon 445 of the MEF2C protein (p.Ser445Pro). This variant is not present in population databases (gnomAD no frequency). This variant has not been reported in the literature in individuals affected with MEF2C-related conditions. Invitae Evidence Modeling of protein sequence and biophysical properties (such as structural, functional, and spatial information, amino acid conservation, physicochemical variation, residue mobility, and thermodynamic stability) indicates that this missense variant is not expected to disrupt MEF2C protein function with a negative predictive value of 95%. In summary, the available evidence is currently insufficient to determine the role of this variant in disease. Therefore, it has been classified as a Variant of Uncertain Significance.